The following is an entry in ClinVar:

ClinVar aggregate classification (germline): Conflicting classifications of pathogenicity. Review status: criteria provided, conflicting classifications (1 of 4 stars). 6 submissions from 6 submitters: Uncertain significance (2); Likely benign (1). 3 of the submissions do not count toward it. Last evaluated 2025-09-05.

Conditions:
Hypogonadotropic hypogonadism 5 with or without anosmia (KAL5). Also called: HYPOGONADOTROPIC HYPOGONADISM 5 WITH ANOSMIA; HYPOGONADOTROPHIC HYPOGONADISM 5 WITHOUT ANOSMIA; CHD7-Related GnRH Deficiency (Kallmann Syndrome 5). Identifiers: Orphanet 478, MedGen C3552553, MONDO:0012880, OMIM 612370. Disease mechanism: loss of function.
CHARGE syndrome (CHARGE). Also called: CHARGE ASSOCIATION--COLOBOMA, HEART ANOMALY, CHOANAL ATRESIA, RETARDATION, GENITAL AND EAR ANOMALIES; Coloboma, heart anomaly, choanal atresia, retardation, genital and ear anomalies; CHARGE association; Hall-Hittner syndrome; Hittner Hirsch Kreh syndrome. Identifiers: Orphanet 138, MedGen C0265354, MONDO:0008965.

Allele frequency attached by ClinVar (database versions not stated): TOPMed below 0.00001; ExAC 0.00002; gnomAD 0.00002; ESP Exome Variant Server 0.00008.

Submissions (6):

Labcorp Genetics (formerly Invitae), Labcorp
Classification: Likely benign for CHARGE syndrome. Last evaluated: 2025-09-05. Review status: criteria provided, single submitter. Criteria: Invitae Variant Classification Sherloc (09022015). Collection method: clinical testing. Allele origin: germline.

GeneDx
Classification: Uncertain significance. Last evaluated: 2023-12-05. Review status: criteria provided, single submitter. Criteria: GeneDx Variant Classification Process June 2021. Collection method: clinical testing. Allele origin: germline. Affected: yes.
Comment: Not observed at significant frequency in large population cohorts (gnomAD); In silico analysis supports that this missense variant does not alter protein structure/function; Has not been previously published as pathogenic or benign to our knowledge

Illumina Laboratory Services, Illumina
Classification: Uncertain significance for Kallmann Syndrome 5. Last evaluated: 2018-01-13. Review status: criteria provided, single submitter. Criteria: ICSL Variant Classification Criteria 13 December 2019. Collection method: clinical testing. Allele origin: germline.

Clinical Genetics DNA and cytogenetics Diagnostics Lab, Erasmus MC, Erasmus Medical Center
Classification: Likely benign. Review status: no assertion criteria provided. Collection method: clinical testing. Allele origin: germline. Affected: yes. Study: VKGL Data-share Consensus. Not counted in ClinVar's aggregate classification.

Genome Diagnostics Laboratory, University Medical Center Utrecht
Classification: Likely benign. Review status: no assertion criteria provided. Collection method: clinical testing. Allele origin: germline. Affected: yes. Study: VKGL Data-share Consensus. Not counted in ClinVar's aggregate classification.

Joint Genome Diagnostic Labs from Nijmegen and Maastricht, Radboudumc and MUMC+
Classification: Likely benign. Review status: no assertion criteria provided. Collection method: clinical testing. Allele origin: germline. Affected: yes. Study: VKGL Data-share Consensus. Not counted in ClinVar's aggregate classification.

NM_017780.4(CHD7):c.6446G>T (p.Gly2149Val)

Gene: CHD7 (chromodomain helicase DNA binding protein 7; plus strand). Cytogenetic location: 8q12.2.
Variant type: single nucleotide variant.
Coding change: c.6446G>T on transcript NM_017780.4 (MANE Select); coding-DNA position 6446, G replaced by T.
Protein change: p.Gly2149Val; replaces glycine 2149 with valine.
Molecular consequence: missense variant. On other transcripts: intron variant (1).
Genome position (GRCh38, 1-based): chr8:60,853,171, G>T. VCF-style: chr8-60853171-G-T. GRCh37 (hg19) VCF-style: chr8-61765730-G-T.
Other names: c.6446G>T (NM_017780.2); c.1717-9058G>T (NM_001316690.1); short protein forms G2149V.
Identifiers: ClinVar variation 910614 (VCV000910614.13), dbSNP rs369433978, ClinGen allele CA4760588.